The following is an entry in ClinVar:

ClinVar aggregate classification (germline): Pathogenic. Review status: no assertion criteria provided (0 of 4 stars). 3 submissions from 2 submitters: Pathogenic (2). 1 of the submissions does not count toward it. Last evaluated 2003-03-01.

Conditions:
Generalized epilepsy with febrile seizures plus, type 2 (GEFSP2). Also called: GEFS+, TYPE 2. Identifiers: Orphanet 36387, MedGen C1858673, MONDO:0011461, OMIM 604403.
Severe myoclonic epilepsy in infancy (DRVT). Also called: Epileptic encephalopathy, early infantile, 6 (Dravet syndrome); Dravet syndrome; SEVERE MYOCLONIC EPILEPSY OF INFANCY; DEVELOPMENTAL AND EPILEPTIC ENCEPHALOPATHY 6A; Severe Myoclonic Epilepsy in Infancy (SMEI). Identifiers: Orphanet 33069, MedGen C0751122, MONDO:0100135, OMIM 607208.

Allele frequency attached by ClinVar (database versions not stated): gnomAD exomes below 0.00001.

Submissions (4):

OMIM
Classification: Pathogenic for DRAVET SYNDROME. Last evaluated: 2003-03-01. Review status: no assertion criteria provided. Collection method: literature only. Allele origin: germline.

OMIM
Classification: Pathogenic for GENERALIZED EPILEPSY WITH FEBRILE SEIZURES PLUS, TYPE 2. Last evaluated: 2003-03-01. Review status: no assertion criteria provided. Collection method: literature only. Allele origin: germline.

Channelopathy-Associated Epilepsy Research Center
No classification provided (evidence only). Condition: Severe myoclonic epilepsy in infancy. Review status: no classification provided. Collection method: literature only. Allele origin: not applicable. Functional consequence: Mild decrease in peak current, Moderate hyperpolarizing shift of voltage dependence of activation, Normal slope of activation, Mild hyperpolarizing shift of voltage dependence of fast inactivation, Normal slope of fast inactivation, Normal rate of recovery from fast inactivation, Acceleration of fast inactivation, Moderate increase in persistent current, Acceleration of entry into slow inactivation, Normal recovery from slow inactivation, Normal voltage dependence of slow inactivation, Normal slope of slow inactivation, Decrease of decay in current amplitude in use dependence, Overall mixed or unclear functional effect with respect to biophysical channel activity. Not counted in ClinVar's aggregate classification.
ClinVar note: "not provided" was previously submitted as the classification for the variant. However, the classification appeared to be based only on an observation of functional data so it was converted to no classification on 2025-07-30.

UniProtKB/Swiss-Prot
No classification provided. Condition: Severe myoclonic epilepsy in infancy. Review status: no classification provided. Collection method: not provided. Allele origin: germline. Not counted in ClinVar's aggregate classification.
Comment: Intractable childhood epilepsy with generalized tonic-clonic seizures

Literature cited by the submitters: PubMed 12566275 (cited by OMIM); PubMed 16210358 (cited by Channelopathy-Associated Epilepsy Research Center).

NM_001165963.4(SCN1A):c.4831G>T (p.Val1611Phe)

Genes: SCN1A (sodium voltage-gated channel alpha subunit 1; minus strand), LOC102724058 (uncharacterized LOC102724058; plus strand). Cytogenetic location: 2q24.3.
Variant type: single nucleotide variant.
Coding change: c.4831G>T on transcript NM_001165963.4 (MANE Select); coding-DNA position 4831, G replaced by T.
Protein change: p.Val1611Phe; replaces valine 1611 with phenylalanine.
Molecular consequence: missense variant. On other transcripts: non-coding transcript variant (1).
Genome position (GRCh38, 1-based): chr2:165,994,167, C>A on the plus strand (G>T on the coding strand, the complement: SCN1A is on the minus strand). VCF-style: chr2-165994167-C-A. GRCh37 (hg19) VCF-style: chr2-166850677-C-A.
Other names: c.4747G>T, p.Val1583Phe (NM_001165964.3, NM_001353957.2, NM_001353958.2); c.4831G>T, p.Val1611Phe (NM_001202435.3, NM_001353948.2); c.4798G>T, p.Val1600Phe (NM_001353949.2, NM_001353950.2, NM_001353951.2 and 2 more transcripts); c.4795G>T, p.Val1599Phe (NM_001353954.2, NM_001353955.2); c.4744G>T, p.Val1582Phe (NM_001353960.2); c.2389G>T, p.Val797Phe (NM_001353961.2); short protein forms V1611F, V1600F, V1582F, V1599F, V797F, V1583F.
Identifiers: ClinVar variation 12895 (VCV000012895.4), dbSNP rs121918630, ClinGen allele CA256614.